The following is an entry in ClinVar:

NM_020066.5(FMN2):c.2742T>A (p.Pro914=)

Gene: FMN2 (formin 2; plus strand). Cytogenetic location: 1q43.
Variant type: single nucleotide variant.
Coding change: c.2742T>A on transcript NM_020066.5 (MANE Select); coding-DNA position 2742, T replaced by A.
Protein change: p.Pro914=; no amino-acid change (proline 914 retained).
Molecular consequence: synonymous variant. On other transcripts: intron variant (1).
Genome position (GRCh38, 1-based): chr1:240,207,554, T>A. VCF-style: chr1-240207554-T-A. GRCh37 (hg19) VCF-style: chr1-240370854-T-A.
Other names: c.2754T>A, p.Pro918= (NM_001305424.2); c.1986+19292T>A (NM_001348094.2).
Identifiers: ClinVar variation 3067321 (VCV003067321.21), dbSNP rs1370653108, ClinGen allele CA424385289.

ClinVar aggregate classification (germline): Likely benign (1 of 4 stars; one submission).

Submission:

CeGaT Center for Human Genetics Tuebingen
Classification: Likely benign. Last evaluated: 2024-03-01. Review status: criteria provided, single submitter. Criteria: CeGaT Center For Human Genetics Tuebingen Variant Classification Criteria Version 2. Collection method: clinical testing. Allele origin: germline. Affected: yes. Observed: 1 variant allele.
Comment: FMN2: BP4, BP7